The following is an entry in ClinVar:

ClinVar aggregate classification (germline): VUS-low (0 of 4 stars; one submission).

Conditions:
Autosomal recessive nonsyndromic hearing loss 9. Also called: NEUROSENSORY NONSYNDROMIC RECESSIVE DEAFNESS 9; OTOF-Related Hearing Loss; Deafness, autosomal recessive 9; AUDITORY NEUROPATHY, AUTOSOMAL RECESSIVE, 1, TEMPERATURE-SENSITIVE. Identifiers: Orphanet 90636, MedGen C1832828, MONDO:0010986, OMIM 601071.

gnomAD v4.1: 10 of 1,613,890 alleles (0.00062%); highest among the groups gnomAD compares: East Asian, 0.0067%; no homozygotes.

Submission:

Diagnosis and Treatment Center of Genetic Hearing Loss, Eye & ENT Hospital of Fudan University
Classification: VUS-low for Autosomal recessive nonsyndromic hearing loss 9. Last evaluated: 2026-02-04. Review status: no assertion criteria provided. Collection method: clinical testing. Allele origin: germline. Inheritance: Autosomal recessive inheritance. Affected: yes.
Comment: The c.1189G>A missense variant in OTOF has a gnomAD frequency of 0.00000799 (PM2_Supporting). The REVEL score is 0.546.

NM_194248.3(OTOF):c.1189G>A (p.Glu397Lys)

Gene: OTOF (otoferlin; minus strand). Cytogenetic location: 2p23.3.
Variant type: single nucleotide variant.
Coding change: c.1189G>A on transcript NM_194248.3 (MANE Select); coding-DNA position 1189, G replaced by A.
Protein change: p.Glu397Lys; replaces glutamic acid 397 with lysine.
Molecular consequence: missense variant.
Genome position (GRCh38, 1-based): chr2:26,484,490, C>T on the plus strand (G>A on the coding strand, the complement: OTOF is on the minus strand). VCF-style: chr2-26484490-C-T. GRCh37 (hg19) VCF-style: chr2-26707358-C-T.
Other names: c.1189G>A, p.Glu397Lys (NM_001287489.2); short protein forms E397K.
Identifiers: ClinVar variation 4879961 (VCV004879961.1).